The following is an entry in ClinVar:

NM_080680.3(COL11A2):c.3043-10G>A

Gene: COL11A2 (collagen type XI alpha 2 chain; minus strand). Cytogenetic location: 6p21.32.
Variant type: single nucleotide variant.
Coding change: c.3043-10G>A on transcript NM_080680.3 (MANE Select); 10 bases into the intron before coding-DNA position 3043, G replaced by A.
Molecular consequence: intron variant.
Genome position (GRCh38, 1-based): chr6:33,171,830, C>T on the plus strand (G>A on the coding strand, the complement: COL11A2 is on the minus strand). VCF-style: chr6-33171830-C-T. GRCh37 (hg19) VCF-style: chr6-33139607-C-T.
Other names: c.2722-10G>A (NM_080679.3); c.2785-10G>A (NM_080681.3).
Identifiers: ClinVar variation 668511 (VCV000668511.2), dbSNP rs1583313311, ClinGen allele CA915944205.

ClinVar aggregate classification (germline): Likely benign. Review status: criteria provided, multiple submitters, no conflicts (2 of 4 stars). 2 submissions from 2 submitters: Likely benign (2). Last evaluated 2023-01-05.

gnomAD v4.1: 1 of 1,612,470 alleles (0.000062%); no homozygotes.

Submissions (2):

Blueprint Genetics
Classification: Likely benign. Last evaluated: 2023-01-05. Review status: criteria provided, single submitter. Criteria: ACMG Guidelines, 2015. Collection method: clinical testing. Allele origin: germline.

GeneDx
Classification: Likely benign. Last evaluated: 2018-05-21. Review status: criteria provided, single submitter. Criteria: GeneDx Variant Classification (06012015). Collection method: clinical testing. Allele origin: germline. Affected: yes.
Comment: This variant is considered likely benign or benign based on one or more of the following criteria: it is a conservative change, it occurs at a poorly conserved position in the protein, it is predicted to be benign by multiple in silico algorithms, and/or has population frequency not consistent with disease.